The following is an entry in ClinVar:

ClinVar aggregate classification (germline): Pathogenic (1 of 4 stars; one submission).

Conditions:
Hereditary breast ovarian cancer syndrome. Also called: Hereditary breast and ovarian cancer syndrome; Hereditary breast and/or ovarian cancer syndrome; Hereditary breast and ovarian cancer; Breast and ovarian cancer; Hereditary breast and ovarian cancer syndrome (HBOC); BRCA1- and BRCA2-Associated Hereditary Breast and Ovarian Cancer. Identifiers: Orphanet 145, MedGen C0677776, MeSH D061325, MONDO:0003582. Disease mechanism: loss of function.

Submission:

Labcorp Genetics (formerly Invitae), Labcorp
Classification: Pathogenic for Hereditary breast ovarian cancer syndrome. Last evaluated: 2024-08-21. Review status: criteria provided, single submitter. Criteria: Invitae Variant Classification Sherloc (09022015). Collection method: clinical testing. Allele origin: germline.
Comment: This sequence change creates a premature translational stop signal (p.Lys993*) in the BRCA1 gene. It is expected to result in an absent or disrupted protein product. Loss-of-function variants in BRCA1 are known to be pathogenic (PMID: 20104584). This variant is not present in population databases (gnomAD no frequency). This variant has not been reported in the literature in individuals affected with BRCA1-related conditions. For these reasons, this variant has been classified as Pathogenic.

Literature cited by the submitters: PubMed 20104584.

NM_007294.4(BRCA1):c.2977A>T (p.Lys993Ter)

Gene: BRCA1 (BRCA1 DNA repair associated; minus strand). Cytogenetic location: 17q21.31.
Variant type: single nucleotide variant.
Coding change: c.2977A>T on transcript NM_007294.4 (MANE Select); coding-DNA position 2977, A replaced by T.
Protein change: p.Lys993Ter; replaces lysine 993 with a stop codon.
Molecular consequence: nonsense. On other transcripts: intron variant (137).
Genome position (GRCh38, 1-based): chr17:43,092,554, T>A on the plus strand (A>T on the coding strand, the complement: BRCA1 is on the minus strand). VCF-style: chr17-43092554-T-A. GRCh37 (hg19) VCF-style: chr17-41244571-T-A.
Other names: c.2896A>T, p.Lys966Ter (NM_001407659.1, NM_001407660.1, NM_001407661.1 and 1 more transcripts); c.2899A>T, p.Lys967Ter (NM_001407663.1, NM_001407653.1, NM_001407654.1 and 4 more transcripts); c.2854A>T, p.Lys952Ter (NM_001407664.1, NM_001407665.1, NM_001407666.1 and 19 more transcripts); c.2851A>T, p.Lys951Ter (NM_001407670.1, NM_001407671.1, NM_001407672.1 and 11 more transcripts); c.2977A>T, p.Lys993Ter (NM_001407684.1, NM_001407854.1, NM_001407858.1 and 30 more transcripts); c.2836A>T, p.Lys946Ter (NM_001407692.1, NM_001407694.1, NM_001407695.1 and 29 more transcripts); c.2833A>T, p.Lys945Ter (NM_001407740.1, NM_001407741.1, NM_001407742.1 and 20 more transcripts); c.2764A>T, p.Lys922Ter (NM_001407853.1, NM_001407894.1, NM_001407895.1 and 9 more transcripts); and 41 more; short protein forms K866*, K881*, K882*, K904*, K926*, K992*, K865*, K905*.
Identifiers: ClinVar variation 3663152 (VCV003663152.2).
Genomic context (GRCh38, chr17:43,092,554, plus strand): 5'-CTCTTTCAGGTGACATTGAATGTTCCTCAAAGTTTTCCTCTAGCAGATTTTTCTTACATT[T>A]AGTTTTAACAAATGACTTGATGGGAAAAAGTGGTGGTATACGATATGGGTTTTGTAAAAG-3'